The following is an entry in ClinVar:

NM_000168.6(GLI3):c.2740G>C (p.Gly914Arg)

Gene: GLI3 (GLI family zinc finger 3; minus strand). Cytogenetic location: 7p14.1.
Variant type: single nucleotide variant.
Coding change: c.2740G>C on transcript NM_000168.6 (MANE Select); coding-DNA position 2740, G replaced by C.
Protein change: p.Gly914Arg; replaces glycine 914 with arginine.
Molecular consequence: missense variant.
Genome position (GRCh38, 1-based): chr7:41,966,333, C>G on the plus strand (G>C on the coding strand, the complement: GLI3 is on the minus strand). VCF-style: chr7-41966333-C-G. GRCh37 (hg19) VCF-style: chr7-42005931-C-G.
Other names: short protein forms G914R.
Identifiers: ClinVar variation 1314626 (VCV001314626.2), dbSNP rs147004305, ClinGen allele CA367320443.

ClinVar aggregate classification (germline): Uncertain significance (1 of 4 stars; one submission).

gnomAD v4.1: 1 of 1,607,600 alleles (0.000062%); no homozygotes.

Submission:

GeneDx
Classification: Uncertain significance. Last evaluated: 2021-04-14. Review status: criteria provided, single submitter. Criteria: GeneDx Variant Classification Process June 2021. Collection method: clinical testing. Allele origin: germline. Affected: yes.
Comment: Not observed in large population cohorts (Lek et al., 2016); In silico analysis supports that this missense variant has a deleterious effect on protein structure/function; Has not been previously published as pathogenic or benign to our knowledge